The following is an entry in ClinVar:

ClinVar aggregate classification (germline): Likely pathogenic. Review status: criteria provided, multiple submitters, no conflicts (2 of 4 stars). 2 submissions from 2 submitters: Likely pathogenic (2). Last evaluated 2026-03-29.

Conditions:
Autosomal recessive osteopetrosis 1. Also called: ALBERS-SCHONBERG DISEASE, AUTOSOMAL RECESSIVE; TCIRG1-Related Autosomal Recessive Osteopetrosis; TCIRG1-Related Osteopetrosis. Identifiers: Orphanet 667, MedGen C1850127, MONDO:0009815, OMIM 259700.

Allele frequency attached by ClinVar (database versions not stated): gnomAD exomes below 0.00001.
gnomAD v4.1: 1 of 1,565,948 alleles (0.000064%); highest among the groups gnomAD compares: Non-Finnish European, 0.000086%; no homozygotes.

Submissions (2):

Dasa
Classification: Likely pathogenic. Last evaluated: 2026-03-29. Review status: criteria provided, single submitter. Criteria: DASA Assertion Criteria. Collection method: clinical testing. Allele origin: germline.
Comment: NM_006019.4(TCIRG1):c.772C>T (p.Gln258*) is a nonsense variant in TCIRG1 predicted to introduce a premature termination codon and is predicted to result in an absent or altered protein product. Loss of function is an established disease mechanism for TCIRG1-associated disorders. Also, this variant is rare in population databases. Based on the currently available evidence, this variant is classified as likely pathogenic.

Baylor Genetics
Classification: Likely pathogenic for Autosomal recessive osteopetrosis 1. Last evaluated: 2024-02-10. Review status: criteria provided, single submitter. Criteria: ACMG Guidelines, 2015. Collection method: clinical testing. Allele origin: unknown.

NM_006019.4(TCIRG1):c.772C>T (p.Gln258Ter)

Gene: TCIRG1 (T cell immune regulator 1, ATPase H+ transporting V0 subunit a3; plus strand). Cytogenetic location: 11q13.2.
Variant type: single nucleotide variant.
Coding change: c.772C>T on transcript NM_006019.4 (MANE Select); coding-DNA position 772, C replaced by T.
Protein change: p.Gln258Ter; replaces glutamine 258 with a stop codon.
Molecular consequence: nonsense. On other transcripts: 5 prime UTR variant (1).
Genome position (GRCh38, 1-based): chr11:68,043,872, C>T. VCF-style: chr11-68043872-C-T. GRCh37 (hg19) VCF-style: chr11-67811339-C-T.
Other names: c.-123C>T (NM_001351059.2); c.124C>T, p.Gln42Ter (NM_006053.4); short protein forms Q258*, Q42*.
Identifiers: ClinVar variation 2679115 (VCV002679115.4), dbSNP rs866821968, ClinGen allele CA224204312.